The following is an entry in ClinVar:

NM_017617.5(NOTCH1):c.3109C>G (p.Gln1037Glu)

Gene: NOTCH1 (notch receptor 1; minus strand). Cytogenetic location: 9q34.3.
Variant type: single nucleotide variant.
Coding change: c.3109C>G on transcript NM_017617.5 (MANE Select); coding-DNA position 3109, C replaced by G.
Protein change: p.Gln1037Glu; replaces glutamine 1037 with glutamic acid.
Molecular consequence: missense variant.
Genome position (GRCh38, 1-based): chr9:136,508,932, G>C on the plus strand (C>G on the coding strand, the complement: NOTCH1 is on the minus strand). VCF-style: chr9-136508932-G-C. GRCh37 (hg19) VCF-style: chr9-139403384-G-C.
Other names: p.Gln1037Glu; c.3109C>G, p.Gln1037Glu (LRG_1122t1); c.3109C>G (NM_017617.4); short protein forms Q1037E.
Identifiers: ClinVar variation 241132 (VCV000241132.14), dbSNP rs878855025, ClinGen allele CA10582645.

ClinVar aggregate classification (germline): Uncertain significance. Review status: criteria provided, multiple submitters, no conflicts (2 of 4 stars). 4 submissions from 4 submitters: Uncertain significance (3). 1 of the submissions does not count toward it. Last evaluated 2025-11-16.

Conditions:
NOTCH1-related disorder. Also called: NOTCH1-related condition; NOTCH1-related disorders.
Adams-Oliver syndrome 5 (AOS5). Identifiers: Orphanet 974, MedGen C4014970, MONDO:0014459, OMIM 616028.
Familial thoracic aortic aneurysm and aortic dissection (TAAD). Also called: Thoracic aortic aneurysms and dissections. Identifiers: Orphanet 91387, MedGen C4707243, MONDO:0019625.

Allele frequency attached by ClinVar (database versions not stated): gnomAD exomes below 0.00001.
gnomAD v4.1: 2 of 1,549,806 alleles (0.00013%); highest among the groups gnomAD compares: Non-Finnish European, 0.00017%; no homozygotes.

Submissions (4):

Ambry Genetics
Classification: Uncertain significance for Familial thoracic aortic aneurysm and aortic dissection. Last evaluated: 2025-11-16. Review status: criteria provided, single submitter. Criteria: Ambry Variant Classification Scheme 2023. Collection method: clinical testing. Allele origin: germline.
Comment: The p.Q1037E variant (also known as c.3109C>G), located in coding exon 19 of the NOTCH1 gene, results from a C to G substitution at nucleotide position 3109. The glutamine at codon 1037 is replaced by glutamic acid, an amino acid with highly similar properties. This amino acid position is conserved. In addition, this alteration is predicted to be tolerated by in silico analysis. Based on the available evidence, the clinical significance of this variant remains unclear.

Labcorp Genetics (formerly Invitae), Labcorp
Classification: Uncertain significance for Adams-Oliver syndrome 5. Last evaluated: 2025-03-11. Review status: criteria provided, single submitter. Criteria: Invitae Variant Classification Sherloc (09022015). Collection method: clinical testing. Allele origin: germline.
Comment: This sequence change replaces glutamine, which is neutral and polar, with glutamic acid, which is acidic and polar, at codon 1037 of the NOTCH1 protein (p.Gln1037Glu). This variant is not present in population databases (gnomAD no frequency). This variant has not been reported in the literature in individuals affected with NOTCH1-related conditions. ClinVar contains an entry for this variant (Variation ID: 241132). Invitae Evidence Modeling of protein sequence and biophysical properties (such as structural, functional, and spatial information, amino acid conservation, physicochemical variation, residue mobility, and thermodynamic stability) indicates that this missense variant is not expected to disrupt NOTCH1 protein function with a negative predictive value of 80%. In summary, the available evidence is currently insufficient to determine the role of this variant in disease. Therefore, it has been classified as a Variant of Uncertain Significance.

Mayo Clinic Laboratories, Mayo Clinic
Classification: Uncertain significance. Last evaluated: 2024-06-25. Review status: criteria provided, single submitter. Criteria: ACMG Guidelines, 2015. Collection method: clinical testing. Allele origin: germline. Observed: 1 variant allele.
Comment: BP4, PM2

PreventionGenetics, part of Exact Sciences
Classification: Uncertain significance for NOTCH1-related condition. Last evaluated: 2024-05-01. Review status: no assertion criteria provided. Collection method: clinical testing. Allele origin: germline. Not counted in ClinVar's aggregate classification.
Comment: The NOTCH1 c.3109C>G variant is predicted to result in the amino acid substitution p.Gln1037Glu. To our knowledge, this variant has not been reported in the literature or in a large population database, indicating this variant is rare. At this time, the clinical significance of this variant is uncertain due to the absence of conclusive functional and genetic evidence.